The following is an entry in ClinVar:

NM_003919.3(SGCE):c.94A>G (p.Thr32Ala)

Gene: SGCE (sarcoglycan epsilon; minus strand). Cytogenetic location: 7q21.3.
Variant type: single nucleotide variant.
Coding change: c.94A>G on transcript NM_003919.3 (MANE Select); coding-DNA position 94, A replaced by G.
Protein change: p.Thr32Ala; replaces threonine 32 with alanine.
Molecular consequence: missense variant. On other transcripts: 5 prime UTR variant (4).
Genome position (GRCh38, 1-based): chr7:94,656,005, T>C on the plus strand (A>G on the coding strand, the complement: SGCE is on the minus strand). VCF-style: chr7-94656005-T-C. GRCh37 (hg19) VCF-style: chr7-94285317-T-C.
Other names: c.94A>G, p.Thr32Ala (NM_001099400.2, NM_001099401.2, NM_001301139.2 and 4 more transcripts); c.-164A>G (NM_001346719.2); c.-242A>G (NM_001346720.2, NM_001362808.2); c.-170A>G (NM_001362807.2); short protein forms T32A.
Identifiers: ClinVar variation 1031368 (VCV001031368.5), dbSNP rs955348597, ClinGen allele CA163085999.

ClinVar aggregate classification (germline): Uncertain significance. Review status: criteria provided, multiple submitters, no conflicts (2 of 4 stars). 2 submissions from 2 submitters: Uncertain significance (2). Last evaluated 2024-09-21.

Conditions:
Myoclonic dystonia 11 (DYT11). Also called: DYT-SGCE; Myoclonic dystonia; Dystonia 11; Dystonia, alcohol responsive; Hereditary essential myoclonus; SGCE Myoclonus-Dystonia. Identifiers: Orphanet 36899, MedGen C1834570, MONDO:0008044, OMIM 159900.

Allele frequency attached by ClinVar (database versions not stated): gnomAD exomes below 0.00001 and 0.00001; gnomAD 0.00001.
gnomAD v4.1: 8 of 1,608,626 alleles (0.0005%); highest among the groups gnomAD compares: Middle Eastern, 0.016%; no homozygotes.

Submissions (2):

Labcorp Genetics (formerly Invitae), Labcorp
Classification: Uncertain significance for Myoclonic dystonia 11. Last evaluated: 2024-09-21. Review status: criteria provided, single submitter. Criteria: Invitae Variant Classification Sherloc (09022015). Collection method: clinical testing. Allele origin: germline.
Comment: This sequence change replaces threonine, which is neutral and polar, with alanine, which is neutral and non-polar, at codon 32 of the SGCE protein (p.Thr32Ala). The frequency data for this variant in the population databases is considered unreliable, as metrics indicate poor data quality at this position in the gnomAD database. This variant has not been reported in the literature in individuals affected with SGCE-related conditions. ClinVar contains an entry for this variant (Variation ID: 1031368). Invitae Evidence Modeling of protein sequence and biophysical properties (such as structural, functional, and spatial information, amino acid conservation, physicochemical variation, residue mobility, and thermodynamic stability) indicates that this missense variant is not expected to disrupt SGCE protein function with a negative predictive value of 80%. In summary, the available evidence is currently insufficient to determine the role of this variant in disease. Therefore, it has been classified as a Variant of Uncertain Significance.

Baylor Genetics
Classification: Uncertain significance for Myoclonic dystonia 11. Last evaluated: 2018-04-27. Review status: criteria provided, single submitter. Criteria: ACMG Guidelines, 2015. Collection method: clinical testing. Allele origin: maternal. Affected: yes.
Comment: This variant was determined to be of uncertain significance according to ACMG Guidelines, 2015 [PMID:25741868].